The following is an entry in ClinVar:

NM_001199753.2(CPT1C):c.1598G>T (p.Gly533Val)

Gene: CPT1C (carnitine palmitoyltransferase 1C; plus strand). Cytogenetic location: 19q13.33.
Variant type: single nucleotide variant.
Coding change: c.1598G>T on transcript NM_001199753.2 (MANE Select); coding-DNA position 1598, G replaced by T.
Protein change: p.Gly533Val; replaces glycine 533 with valine.
Molecular consequence: missense variant. On other transcripts: non-coding transcript variant (1).
Genome position (GRCh38, 1-based): chr19:49,710,351, G>T. VCF-style: chr19-49710351-G-T. GRCh37 (hg19) VCF-style: chr19-50213608-G-T.
Other names: c.1565G>T, p.Gly522Val (NM_001136052.3, NM_001378485.1, NM_001378487.1); c.1598G>T, p.Gly533Val (NM_001199752.3, NM_001378483.1, NM_001378484.1 and 3 more transcripts); c.1664G>T, p.Gly555Val (NM_001378482.1); c.1598G>T (NM_001199752.1); short protein forms G522V, G533V, G555V.
Identifiers: ClinVar variation 3609425 (VCV003609425.3).

ClinVar aggregate classification (germline): Uncertain significance. Review status: criteria provided, multiple submitters, no conflicts (2 of 4 stars). 2 submissions from 2 submitters: Uncertain significance (2). Last evaluated 2025-11-13.

Conditions:
Hereditary spastic paraplegia 73. Also called: Spastic paraplegia 73, autosomal dominant. Identifiers: Orphanet 444099, MedGen C5568981, MONDO:0014568, OMIM 616282.

gnomAD v4.1: 2 of 1,614,122 alleles (0.00012%); highest among the groups gnomAD compares: Middle Eastern, 0.016%; no homozygotes.

Submissions (2):

Ambry Genetics
Classification: Uncertain significance. Last evaluated: 2025-11-13. Review status: criteria provided, single submitter. Criteria: Ambry Variant Classification Scheme 2023. Collection method: clinical testing. Allele origin: germline.

Labcorp Genetics (formerly Invitae), Labcorp
Classification: Uncertain significance for Hereditary spastic paraplegia 73. Last evaluated: 2024-05-20. Review status: criteria provided, single submitter. Criteria: Invitae Variant Classification Sherloc (09022015). Collection method: clinical testing. Allele origin: germline.
Comment: This sequence change replaces glycine, which is neutral and non-polar, with valine, which is neutral and non-polar, at codon 522 of the CPT1C protein (p.Gly522Val). This variant is not present in population databases (gnomAD no frequency). This variant has not been reported in the literature in individuals affected with CPT1C-related conditions. Advanced modeling of protein sequence and biophysical properties (such as structural, functional, and spatial information, amino acid conservation, physicochemical variation, residue mobility, and thermodynamic stability) performed at Invitae indicates that this missense variant is not expected to disrupt CPT1C protein function with a negative predictive value of 80%. In summary, the available evidence is currently insufficient to determine the role of this variant in disease. Therefore, it has been classified as a Variant of Uncertain Significance.